The following is an entry in ClinVar:

ClinVar aggregate classification (germline): Uncertain significance (1 of 4 stars; one submission).

Submission:

GeneDx
Classification: Uncertain significance. Last evaluated: 2025-05-19. Review status: criteria provided, single submitter. Criteria: GeneDx Variant Classification Process June 2021. Collection method: clinical testing. Allele origin: germline. Affected: yes.
Comment: In-frame deletion of 4 amino acid(s) in a non-repeat region; Not observed at significant frequency in large population cohorts (gnomAD); In silico analysis supports a deleterious effect on protein structure/function; Has not been previously published as pathogenic or benign to our knowledge

NM_004523.4(KIF11):c.1247_1258del (p.Glu416_Ile419del)

Gene: KIF11 (kinesin family member 11; plus strand). Cytogenetic location: 10q23.33.
Variant type: Deletion.
Coding change: c.1247_1258del on transcript NM_004523.4 (MANE Select); coding-DNA positions 1247 to 1258, 12 bases deleted (AAGAGCAGATTG).
Protein change: p.Glu416_Ile419del.
Genome position (GRCh38, 1-based): chr10:92,628,837-92,628,848, AAGAGCAGATTG deleted; deleting any 12 consecutive bases within chr10:92,628,836-92,628,848 gives the same sequence; the c. name uses the placement nearest the transcript's 3' end. VCF-style (leftmost placement, unchanged base first): chr10-92628835-AGAAGAGCAGATT-A. GRCh37 (hg19) VCF-style: chr10-94388592-AGAAGAGCAGATT-A.
Identifiers: ClinVar variation 4531112 (VCV004531112.1).